The following is an entry in ClinVar:

ClinVar aggregate classification (germline): Uncertain significance. Review status: criteria provided, multiple submitters, no conflicts (2 of 4 stars). 3 submissions from 3 submitters: Uncertain significance (3). Last evaluated 2026-01-12.

Conditions:
Arrhythmogenic right ventricular dysplasia 8 (ARVD8). Also called: ARRHYTHMOGENIC RIGHT VENTRICULAR DYSPLASIA, FAMILIAL, 8; Arrhythmogenic Right Ventricular Dysplasia/Cardiomyopathy 8; ARRHYTHMOGENIC RIGHT VENTRICULAR CARDIOMYOPATHY 8. Identifiers: MedGen C1843896, MONDO:0011831, OMIM 607450.
Arrhythmogenic cardiomyopathy with wooly hair and keratoderma. Also called: PALMOPLANTAR KERATODERMA WITH LEFT VENTRICULAR CARDIOMYOPATHY AND WOOLLY HAIR; Dilated cardiomyopathy with woolly hair and keratoderma; Arrhythmogenic cardiomyopathy with woolly hair and keratoderma; Carvajal syndrome. Identifiers: Orphanet 65282, MedGen C1854063, MONDO:0011581, OMIM 605676.
Cardiovascular phenotype. Identifiers: MedGen CN230736.
Cardiomyopathy (CMYO). Also called: Cardiomyopathies. Identifiers: Orphanet 167848, MedGen C0878544, MONDO:0004994, HP:0001638. Inheritance: Various modes of inheritance.

gnomAD v4.1: 1 of 1,614,084 alleles (0.000062%); highest among the groups gnomAD compares: Non-Finnish European, 0.000085%; no homozygotes.

Submissions (3):

Ambry Genetics
Classification: Uncertain significance for Cardiovascular phenotype. Last evaluated: 2026-01-12. Review status: criteria provided, single submitter. Criteria: Ambry Variant Classification Scheme 2023. Collection method: clinical testing. Allele origin: germline.
Comment: The p.A535P variant (also known as c.1603G>C), located in coding exon 13 of the DSP gene, results from a G to C substitution at nucleotide position 1603. The alanine at codon 535 is replaced by proline, an amino acid with highly similar properties. This amino acid position is conserved. In addition, the in silico prediction for this alteration is inconclusive. Based on the available evidence, the clinical significance of this variant remains unclear.

Color Diagnostics, LLC DBA Color Health
Classification: Uncertain significance for Cardiomyopathy. Last evaluated: 2025-06-23. Review status: criteria provided, single submitter. Criteria: ACMG Guidelines, 2015. Collection method: clinical testing. Allele origin: germline.
Comment: This missense variant replaces alanine with proline at codon 535 of the DSP protein. Computational prediction is inconclusive regarding the impact of this variant on protein structure and function. To our knowledge, functional studies have not been reported for this variant. This variant has not been reported in individuals affected with DSP-related disorders in the literature. This variant has not been identified in the general population by the Genome Aggregation Database (gnomAD). The available evidence is insufficient to determine the role of this variant in disease conclusively. Therefore, this variant is classified as a Variant of Uncertain Significance.

Labcorp Genetics (formerly Invitae), Labcorp
Classification: Uncertain significance for Arrhythmogenic cardiomyopathy with wooly hair and keratoderma; Arrhythmogenic right ventricular dysplasia 8. Last evaluated: 2019-01-03. Review status: criteria provided, single submitter. Criteria: Invitae Variant Classification Sherloc (09022015). Collection method: clinical testing. Allele origin: germline.
Comment: This sequence change replaces alanine with proline at codon 535 of the DSP protein (p.Ala535Pro). The alanine residue is moderately conserved and there is a small physicochemical difference between alanine and proline. In summary, the available evidence is currently insufficient to determine the role of this variant in disease. Therefore, it has been classified as a Variant of Uncertain Significance. Algorithms developed to predict the effect of missense changes on protein structure and function are either unavailable or do not agree on the potential impact of this missense change (SIFT: "Deleterious"; PolyPhen-2: "Possibly Damaging"; Align-GVGD: "Class C0"). This variant has not been reported in the literature in individuals with DSP-related conditions. This variant is not present in population databases (ExAC no frequency).

NM_004415.4(DSP):c.1603G>C (p.Ala535Pro)

Gene: DSP (desmoplakin; plus strand). Cytogenetic location: 6p24.3.
Variant type: single nucleotide variant.
Coding change: c.1603G>C on transcript NM_004415.4 (MANE Select); coding-DNA position 1603, G replaced by C.
Protein change: p.Ala535Pro; replaces alanine 535 with proline.
Molecular consequence: missense variant.
Genome position (GRCh38, 1-based): chr6:7,570,465, G>C. VCF-style: chr6-7570465-G-C. GRCh37 (hg19) VCF-style: chr6-7570698-G-C.
Other names: c.1603G>C, p.Ala535Pro (NM_001008844.3, NM_001319034.2); short protein forms A535P.
Identifiers: ClinVar variation 843418 (VCV000843418.10), dbSNP rs777088675, ClinGen allele CA362678092.